The following is an entry in ClinVar:

NM_002016.2(FLG):c.5948_5949del (p.Glu1983fs)

Genes: CCDST (cervical cancer associated DHX9 suppressive transcript; plus strand), FLG (filaggrin; minus strand). Cytogenetic location: 1q21.3.
Variant type: Microsatellite.
Coding change: c.5948_5949del on transcript NM_002016.2 (MANE Select); coding-DNA positions 5948 to 5949, 2 bases deleted (AG; older notation c.5948_5949delAG).
Protein change: p.Glu1983fs; shifts the reading frame from glutamic acid 1983.
Molecular consequence: frameshift variant.
Genome position (GRCh38, 1-based): chr1:152,308,937-152,308,938, CT deleted on the plus strand (AG on the coding strand, the reverse complement: FLG is on the minus strand); deleting any 2 consecutive bases within chr1:152,308,937-152,308,940 gives the same sequence; the c. name uses the placement nearest the transcript's 3' end. VCF-style (leftmost placement, unchanged base first): chr1-152308936-ACT-A. GRCh37 (hg19) VCF-style: chr1-152281412-ACT-A.
Other names: c.5946_5947AG[1], p.Glu1983Valfs (NM_002016.1); c.5948_5949del (NM_002016.1); short protein forms E1983fs.
Identifiers: ClinVar variation 4071598 (VCV004071598.2).

ClinVar aggregate classification (germline): Pathogenic (1 of 4 stars; one submission).

Submission:

GeneDx
Classification: Pathogenic. Last evaluated: 2026-03-29. Review status: criteria provided, single submitter. Criteria: GeneDx Variant Classification Process June 2021. Collection method: clinical testing. Allele origin: germline.
Comment: Frameshift variant predicted to result in abnormal protein length as the last 2079 amino acids are replaced with 11 different amino acids, and other similar variants have been reported in HGMD; Has not been previously published as pathogenic or benign to our knowledge; This variant is associated with the following publications: (PMID: 16444271)